The following is an entry in ClinVar:

ClinVar aggregate classification (germline): Uncertain significance (1 of 4 stars; one submission).

Submission:

Labcorp Genetics (formerly Invitae), Labcorp
Classification: Uncertain significance. Last evaluated: 2025-10-01. Review status: criteria provided, single submitter. Criteria: Invitae Variant Classification Sherloc (09022015). Collection method: clinical testing. Allele origin: germline.
Comment: This sequence change replaces isoleucine, which is neutral and non-polar, with phenylalanine, which is neutral and non-polar, at codon 118 of the DNA2 protein (p.Ile118Phe). Information on the frequency of this variant in the gnomAD database is not available, as this variant may be reported differently in the database. This variant has not been reported in the literature in individuals affected with DNA2-related conditions. ClinVar contains an entry for this variant (Variation ID: 2796650). Experimental studies and prediction algorithms are not available or were not evaluated, and the functional significance of this variant is currently unknown. In summary, the available evidence is currently insufficient to determine the role of this variant in disease. Therefore, it has been classified as a Variant of Uncertain Significance.

NM_001080449.3(DNA2):c.351_352delinsAT (p.Ile118Phe)

Gene: DNA2 (DNA replication helicase/nuclease 2; minus strand). Cytogenetic location: 10q21.3.
Variant type: Indel.
Coding change: c.351_352delinsAT on transcript NM_001080449.3 (MANE Select); coding-DNA positions 351 to 352, GA replaced by AT.
Protein change: p.Ile118Phe; replaces isoleucine 118 with phenylalanine.
Molecular consequence: missense variant. On other transcripts: non-coding transcript variant (1).
Genome position (GRCh38, 1-based): chr10:68,468,212-68,468,213, TC replaced by AT on the plus strand (GA replaced by AT on the coding strand, the reverse complement: DNA2 is on the minus strand). VCF-style: chr10-68468212-TC-AT. GRCh37 (hg19) VCF-style: chr10-70227969-TC-AT.
Other names: short protein forms I118F.
Identifiers: ClinVar variation 2796650 (VCV002796650.3), dbSNP rs2494015005, ClinGen allele CA2739275717.
Genomic context (GRCh38, chr10:68,468,212, plus strand): 5'-TCATACATCGAATACTACTGGCTATGCTGGTGCCAGAAATCAGCATGTCTGGATACAGAA[TC>AT]AAATATCCAAAATCTTTATCTATTATCCAAGTGTCAGATGTGCAGTCTCCCTCCAAATGA-3'
Protein context (NP_001073918.2, residues 108-128): WIIDKDFGYL[Ile118Phe]LYPDMLISGT